The following is an entry in ClinVar:

ClinVar aggregate classification (germline): Uncertain significance. Review status: criteria provided, multiple submitters, no conflicts (2 of 4 stars). 2 submissions from 2 submitters: Uncertain significance (2). Last evaluated 2025-09-24.

Conditions:
Hereditary cancer-predisposing syndrome. Also called: Hereditary Cancer Syndrome; Hereditary neoplastic syndrome; Neoplastic Syndromes, Hereditary; Tumor predisposition. Identifiers: Orphanet 140162, MedGen C0027672, MeSH D009386, MONDO:0015356.

Allele frequency attached by ClinVar (database versions not stated): TOPMed below 0.00001; gnomAD exomes 0.00001; ESP Exome Variant Server 0.00008.
gnomAD v4.1: 3 of 1,612,820 alleles (0.00019%); highest among the groups gnomAD compares: Non-Finnish European, 0.00025%; no homozygotes.

Submissions (2):

Labcorp Genetics (formerly Invitae), Labcorp
Classification: Uncertain significance. Last evaluated: 2025-09-24. Review status: criteria provided, single submitter. Criteria: Invitae Variant Classification Sherloc (09022015). Collection method: clinical testing. Allele origin: germline.
Comment: This sequence change replaces asparagine, which is neutral and polar, with tyrosine, which is neutral and polar, at codon 2189 of the POLE protein (p.Asn2189Tyr). This variant is not present in population databases (gnomAD no frequency). This variant has not been reported in the literature in individuals affected with POLE-related conditions. ClinVar contains an entry for this variant (Variation ID: 405820). Invitae Evidence Modeling of protein sequence and biophysical properties (such as structural, functional, and spatial information, amino acid conservation, physicochemical variation, residue mobility, and thermodynamic stability) indicates that this missense variant is not expected to disrupt POLE protein function with a negative predictive value of 80%. RNA analysis performed to evaluate the impact of this missense change on mRNA splicing indicates it does not significantly alter splicing (internal data). In summary, the available evidence is currently insufficient to determine the role of this variant in disease. Therefore, it has been classified as a Variant of Uncertain Significance.

Ambry Genetics
Classification: Uncertain significance for Hereditary cancer-predisposing syndrome. Last evaluated: 2024-03-16. Review status: criteria provided, single submitter. Criteria: Ambry Variant Classification Scheme 2023. Collection method: clinical testing. Allele origin: germline.
Comment: The p.N2189Y variant (also known as c.6565A>T), located in coding exon 47 of the POLE gene, results from an A to T substitution at nucleotide position 6565. The asparagine at codon 2189 is replaced by tyrosine, an amino acid with dissimilar properties. This amino acid position is conserved. In addition, the in silico prediction for this alteration is inconclusive. Since supporting evidence is limited at this time, the clinical significance of this alteration remains unclear.

NM_006231.4(POLE):c.6565A>T (p.Asn2189Tyr)

Gene: POLE (DNA polymerase epsilon, catalytic subunit; minus strand). Cytogenetic location: 12q24.33.
Variant type: single nucleotide variant.
Coding change: c.6565A>T on transcript NM_006231.4 (MANE Select); coding-DNA position 6565, A replaced by T.
Protein change: p.Asn2189Tyr; replaces asparagine 2189 with tyrosine.
Molecular consequence: missense variant.
Genome position (GRCh38, 1-based): chr12:132,625,737, T>A on the plus strand (A>T on the coding strand, the complement: POLE is on the minus strand). VCF-style: chr12-132625737-T-A. GRCh37 (hg19) VCF-style: chr12-133202323-T-A.
Other names: short protein forms N2189Y.
Identifiers: ClinVar variation 405820 (VCV000405820.12), dbSNP rs150345709, ClinGen allele CA16613567.